The following is an entry in ClinVar:

ClinVar aggregate classification (germline): Pathogenic (1 of 4 stars; one submission).

Conditions:
Polycystic kidney disease, adult type (PKD1). Also called: Polycystic Kidney Disease 1, Autosomal Dominant; Polycystic kidney disease 1; Polycystic kidney disease 1, severe; Polycystic Kidney, Autosomal Dominant; POLYCYSTIC KIDNEY DISEASE 1 WITH OR WITHOUT POLYCYSTIC LIVER DISEASE; POLYCYSTIC KIDNEY DISEASE, ADULT, TYPE I. Identifiers: MedGen C3149841, MONDO:0008263, OMIM 173900.

Submission:

Women's Health and Genetics/Laboratory Corporation of America, LabCorp
Classification: Pathogenic for Polycystic kidney disease, adult type. Last evaluated: 2025-06-23. Review status: criteria provided, single submitter. Criteria: LabCorp Variant Classification Summary - May 2015. Collection method: clinical testing. Allele origin: germline.
Comment: Variant summary: PKD1 c.7033delG (p.Ala2345ProfsX13) results in a premature termination codon, predicted to cause a truncation of the encoded protein or absence of the protein due to nonsense mediated decay, which are commonly known mechanisms for disease. The variant was absent in 147340 control chromosomes. To our knowledge, no occurrence of c.7033delG in individuals affected with Polycystic Kidney Disease 1 and no experimental evidence demonstrating its impact on protein function have been reported. No submitters have cited clinical-significance assessments for this variant to ClinVar. Based on the evidence outlined above, the variant was classified as pathogenic.

NM_001009944.3(PKD1):c.7033del (p.Ala2345fs)

Gene: PKD1 (polycystin 1, transient receptor potential channel interacting; minus strand). Cytogenetic location: 16p13.3.
Variant type: Deletion.
Coding change: c.7033del on transcript NM_001009944.3 (MANE Select); coding-DNA position 7033, one base deleted (G; older notation c.7033delG).
Protein change: p.Ala2345fs; shifts the reading frame from alanine 2345.
Molecular consequence: frameshift variant.
Genome position (GRCh38, 1-based): chr16:2,107,915, C deleted on the plus strand (G on the coding strand, the reverse complement: PKD1 is on the minus strand); the first of 2 consecutive C bases (chr16:2,107,915-2,107,916); deleting either gives the same sequence. VCF-style (leftmost placement, unchanged base first): chr16-2107914-GC-G. GRCh37 (hg19) VCF-style: chr16-2157915-GC-G.
Other names: c.7033delG (NM_001009944.3); c.7033del, p.Ala2345fs (NM_000296.4); short protein forms A2345fs.
Identifiers: ClinVar variation 3907585 (VCV003907585.1).
Genomic context (GRCh38, chr16:2,107,914, plus strand): 5'-CAAGTGGCCGAGGGGCGGGCGGCACCCACCGTCTGGTTGGTGGCCTCCTCCTTGCGGCCG[GC>G]CTTCCACACGGTCAGGCTGAAGGTGTACTCCACGCCAGCCGCCAGCCGCTCCCGTGGAAT-3'